The following is an entry in ClinVar:

NM_015425.6(POLR1A):c.4346G>A (p.Arg1449Gln)

Gene: POLR1A (RNA polymerase I subunit A; minus strand). Cytogenetic location: 2p11.2.
Variant type: single nucleotide variant.
Coding change: c.4346G>A on transcript NM_015425.6 (MANE Select); coding-DNA position 4346, G replaced by A.
Protein change: p.Arg1449Gln; replaces arginine 1449 with glutamine.
Molecular consequence: missense variant.
Genome position (GRCh38, 1-based): chr2:86,031,562, C>T on the plus strand (G>A on the coding strand, the complement: POLR1A is on the minus strand). VCF-style: chr2-86031562-C-T. GRCh37 (hg19) VCF-style: chr2-86258685-C-T.
Other names: short protein forms R1449Q.
Identifiers: ClinVar variation 1367648 (VCV001367648.6), dbSNP rs760185203, ClinGen allele CA1745509.

ClinVar aggregate classification (germline): Uncertain significance (1 of 4 stars; one submission).

Allele frequency attached by ClinVar (database versions not stated): gnomAD 0.00001 and 0.00003; ExAC 0.00002; gnomAD exomes 0.00003 and 0.00005; TOPMed 0.00003.
gnomAD v4.1: 83 of 1,614,122 alleles (0.0051%); highest among the groups gnomAD compares: East Asian, 0.14%; 1 homozygote.

Submission:

Labcorp Genetics (formerly Invitae), Labcorp
Classification: Uncertain significance. Last evaluated: 2024-11-28. Review status: criteria provided, single submitter. Criteria: Invitae Variant Classification Sherloc (09022015). Collection method: clinical testing. Allele origin: germline.
Comment: This sequence change replaces arginine, which is basic and polar, with glutamine, which is neutral and polar, at codon 1449 of the POLR1A protein (p.Arg1449Gln). This variant is present in population databases (rs760185203, gnomAD 0.03%). This variant has not been reported in the literature in individuals affected with POLR1A-related conditions. ClinVar contains an entry for this variant (Variation ID: 1367648). Invitae Evidence Modeling of protein sequence and biophysical properties (such as structural, functional, and spatial information, amino acid conservation, physicochemical variation, residue mobility, and thermodynamic stability) indicates that this missense variant is not expected to disrupt POLR1A protein function with a negative predictive value of 80%. In summary, the available evidence is currently insufficient to determine the role of this variant in disease. Therefore, it has been classified as a Variant of Uncertain Significance.